The following is an entry in ClinVar:

NM_000161.3(GCH1):c.747_748delinsCT (p.Arg249_Ser250delinsSerCys)

Gene: GCH1 (GTP cyclohydrolase 1; minus strand). Cytogenetic location: 14q22.2.
Variant type: Indel.
Coding change: c.747_748delinsCT on transcript NM_000161.3 (MANE Select); coding-DNA positions 747 to 748, GA replaced by CT.
Protein change: p.Arg249_Ser250delinsSerCys.
Molecular consequence: missense variant. On other transcripts: intron variant (3).
Genome position (GRCh38, 1-based): chr14:54,844,022-54,844,023, TC replaced by AG on the plus strand (GA replaced by CT on the coding strand, the reverse complement: GCH1 is on the minus strand). VCF-style: chr14-54844022-TC-AG. GRCh37 (hg19) VCF-style: chr14-55310740-TC-AG.
Other names: c.747_748delinsCT, p.Arg249_Ser250delinsSerCys (NM_001024024.2); c.453_454delinsCT, p.Arg151_Ser152delinsSerCys (NM_001424105.1); c.510-969_510-968delinsCT (NM_001424104.1); c.627-969_627-968delinsCT (NM_001024071.2); c.627-154_627-153delinsCT (NM_001024070.2).
Identifiers: ClinVar variation 2928982 (VCV002928982.3), dbSNP rs2504336159, ClinGen allele CA2740097081.

ClinVar aggregate classification (germline): Uncertain significance (1 of 4 stars; one submission).

Conditions:
GTP cyclohydrolase I deficiency. Identifiers: MedGen C0268467, MONDO:0100184.
Dystonia 5 (DRD). Also called: DYT-GCH1; DYSTONIA, PROGRESSIVE, WITH DIURNAL VARIATION; DYSTONIA-PARKINSONISM WITH DIURNAL FLUCTUATION; GTP Cyclohydrolase 1-Deficient Dopa-Responsive Dystonia; Dystonia, DOPA-responsive, with or without hyperphenylalaninemia. Identifiers: Orphanet 98808, MedGen C1851920, MONDO:0007495, OMIM 128230.

Submission:

Labcorp Genetics (formerly Invitae), Labcorp
Classification: Uncertain significance for GTP cyclohydrolase I deficiency; Dystonia 5. Last evaluated: 2024-01-07. Review status: criteria provided, single submitter. Criteria: Invitae Variant Classification Sherloc (09022015). Collection method: clinical testing. Allele origin: germline.
Comment: This variant, c.747_748delinsCT, is a complex sequence change that results in the deletion of 2 and insertion of 2 amino acid(s) in the GCH1 protein (p.Arg249_Ser250delinsSerCys). Information on the frequency of this variant in the gnomAD database is not available, as this variant may be reported differently in the database. This variant has not been reported in the literature in individuals affected with GCH1-related conditions. Experimental studies and prediction algorithms are not available or were not evaluated, and the functional significance of this variant is currently unknown. This variant disrupts a region of the GCH1 protein in which other variant(s) (p.Arg249Ser) have been observed in individuals with GCH1-related conditions (PMID: 10987649). This suggests that this is a clinically significant region of the protein, and that variants that disrupt it are likely to be disease-causing. In summary, the available evidence is currently insufficient to determine the role of this variant in disease. Therefore, it has been classified as a Variant of Uncertain Significance.

Literature cited by the submitters: PubMed 10987649.